The following is an entry in ClinVar:

NM_024740.2(ALG9):c.1384A>G (p.Ile462Val)

Gene: ALG9 (ALG9 alpha-1,2-mannosyltransferase; minus strand). Cytogenetic location: 11q23.1.
Variant type: single nucleotide variant.
Coding change: c.1384A>G on transcript NM_024740.2 (MANE Select); coding-DNA position 1384, A replaced by G.
Protein change: p.Ile462Val; replaces isoleucine 462 with valine.
Molecular consequence: missense variant. On other transcripts: non-coding transcript variant (1).
Genome position (GRCh38, 1-based): chr11:111,837,556, T>C on the plus strand (A>G on the coding strand, the complement: ALG9 is on the minus strand). VCF-style: chr11-111837556-T-C. GRCh37 (hg19) VCF-style: chr11-111708279-T-C.
Other names: c.1363A>G, p.Ile455Val (NM_001077690.1, NM_001352417.1); c.871A>G, p.Ile291Val (NM_001077691.2, NM_001352413.1, NM_001352414.2 and 1 more transcripts); c.850A>G, p.Ile284Val (NM_001077692.2, NM_001352409.1, NM_001352410.1 and 6 more transcripts); c.1240A>G, p.Ile414Val (NM_001352418.1); c.775A>G, p.Ile259Val (NM_001352422.2); c.727A>G, p.Ile243Val (NM_001352423.2); short protein forms I243V, I462V, I259V, I291V, I414V, I284V, I455V.
Identifiers: ClinVar variation 1397608 (VCV001397608.3), dbSNP rs782350313, ClinGen allele CA6274433.

ClinVar aggregate classification (germline): Uncertain significance (1 of 4 stars; one submission).

Conditions:
ALG9 congenital disorder of glycosylation (CDG1L). Also called: ALG9-CDG; CONGENITAL DISORDER OF GLYCOSYLATION, TYPE Il; CDG Il. Identifiers: Orphanet 79328, MedGen C2931006, MONDO:0012117, OMIM 608776.

Allele frequency attached by ClinVar (database versions not stated): TOPMed below 0.00001; gnomAD 0.00001; gnomAD exomes 0.00002 and 0.00003; ExAC 0.00003.
gnomAD v4.1: 29 of 1,614,016 alleles (0.0018%); highest among the groups gnomAD compares: South Asian, 0.02%; no homozygotes.

Submission:

Labcorp Genetics (formerly Invitae), Labcorp
Classification: Uncertain significance for ALG9 congenital disorder of glycosylation. Last evaluated: 2021-07-27. Review status: criteria provided, single submitter. Criteria: Invitae Variant Classification Sherloc (09022015). Collection method: clinical testing. Allele origin: germline.
Comment: This sequence change replaces isoleucine with valine at codon 462 of the ALG9 protein (p.Ile462Val). The isoleucine residue is weakly conserved and there is a small physicochemical difference between isoleucine and valine. This variant is present in population databases (rs782350313, ExAC 0.02%). This variant has not been reported in the literature in individuals affected with ALG9-related conditions. Experimental studies and prediction algorithms are not available or were not evaluated, and the functional significance of this variant is currently unknown. In summary, the available evidence is currently insufficient to determine the role of this variant in disease. Therefore, it has been classified as a Variant of Uncertain Significance.